The following is an entry in ClinVar:

NM_033380.3(COL4A5):c.1069G>A (p.Glu357Lys)

Gene: COL4A5 (collagen type IV alpha 5 chain; plus strand). Cytogenetic location: Xq22.3.
Variant type: single nucleotide variant.
Coding change: c.1069G>A on transcript NM_033380.3 (MANE Select); coding-DNA position 1069, G replaced by A.
Protein change: p.Glu357Lys; replaces glutamic acid 357 with lysine.
Molecular consequence: missense variant.
Genome position (GRCh38, 1-based): chrX:108,586,651, G>A. VCF-style: chrX-108586651-G-A. GRCh37 (hg19) VCF-style: chrX-107829881-G-A.
Other names: c.1069G>A, p.Glu357Lys (NM_000495.5); c.1069G>A (NM_000495.4); short protein forms E357K.
Identifiers: ClinVar variation 1383326 (VCV001383326.6), dbSNP rs1186225656, ClinGen allele CA413930074.

ClinVar aggregate classification (germline): Uncertain significance. Review status: criteria provided, multiple submitters, no conflicts (2 of 4 stars). 3 submissions from 3 submitters: Uncertain significance (3). Last evaluated 2024-03-04.

Conditions:
X-linked Alport syndrome (ATS1). Also called: NEPHROPATHY AND DEAFNESS, X-LINKED; COL4A5-Related Nephropathy. Identifiers: Orphanet 63, Orphanet 88917, MedGen C4746986, MONDO:0010520, OMIM 301050.

Allele frequency attached by ClinVar (database versions not stated): gnomAD 0.00001; TOPMed 0.00002.

Submissions (3):

Fulgent Genetics
Classification: Uncertain significance for X-linked Alport syndrome. Last evaluated: 2024-03-04. Review status: criteria provided, single submitter. Criteria: ACMG Guidelines, 2015. Collection method: clinical testing. Allele origin: germline.

Johns Hopkins Genomics, Johns Hopkins University
Classification: Uncertain significance for X-linked Alport syndrome. Last evaluated: 2023-02-27. Review status: criteria provided, single submitter. Criteria: ACMG Guidelines, 2015. Collection method: clinical testing. Allele origin: germline.

Labcorp Genetics (formerly Invitae), Labcorp
Classification: Uncertain significance. Last evaluated: 2021-09-01. Review status: criteria provided, single submitter. Criteria: Invitae Variant Classification Sherloc (09022015). Collection method: clinical testing. Allele origin: germline.
Comment: This sequence change replaces glutamic acid with lysine at codon 357 of the COL4A5 protein (p.Glu357Lys). The glutamic acid residue is moderately conserved and there is a small physicochemical difference between glutamic acid and lysine. This variant is not present in population databases (ExAC no frequency). This variant has not been reported in the literature in individuals affected with COL4A5-related conditions. Advanced modeling of protein sequence and biophysical properties (such as structural, functional, and spatial information, amino acid conservation, physicochemical variation, residue mobility, and thermodynamic stability) performed at Invitae indicates that this missense variant is not expected to disrupt COL4A5 protein function. In summary, the available evidence is currently insufficient to determine the role of this variant in disease. Therefore, it has been classified as a Variant of Uncertain Significance.

Literature cited by the submitters: PubMed 20301386 (cited by Johns Hopkins Genomics, Johns Hopkins University).